The following is an entry in ClinVar:

ClinVar aggregate classification (germline): Uncertain significance. Review status: criteria provided, multiple submitters, no conflicts (2 of 4 stars). 2 submissions from 2 submitters: Uncertain significance (2). Last evaluated 2024-06-05.

Conditions:
Inborn genetic diseases. Identifiers: MedGen C0950123, MeSH D030342.

Allele frequency attached by ClinVar (database versions not stated): TOPMed 0.00003; gnomAD 0.00005; 1000 Genomes Project 30x 0.00016; 1000 Genomes Project 0.00020.

Submissions (2):

Ambry Genetics
Classification: Uncertain significance for Inborn genetic diseases. Last evaluated: 2024-06-05. Review status: criteria provided, single submitter. Criteria: Ambry Variant Classification Scheme 2023. Collection method: clinical testing. Allele origin: germline.

Labcorp Genetics (formerly Invitae), Labcorp
Classification: Uncertain significance. Last evaluated: 2022-04-12. Review status: criteria provided, single submitter. Criteria: Invitae Variant Classification Sherloc (09022015). Collection method: clinical testing. Allele origin: germline.
Comment: This sequence change replaces isoleucine, which is neutral and non-polar, with valine, which is neutral and non-polar, at codon 97 of the C7 protein (p.Ile97Val). This variant is present in population databases (rs549568139, gnomAD 0.1%). This variant has not been reported in the literature in individuals affected with C7-related conditions. Algorithms developed to predict the effect of missense changes on protein structure and function are either unavailable or do not agree on the potential impact of this missense change (SIFT: "Deleterious"; PolyPhen-2: "Possibly Damaging"; Align-GVGD: "Class C0"). In summary, the available evidence is currently insufficient to determine the role of this variant in disease. Therefore, it has been classified as a Variant of Uncertain Significance.

NM_000587.4(C7):c.289A>G (p.Ile97Val)

Gene: C7 (complement C7; plus strand). Cytogenetic location: 5p13.1.
Variant type: single nucleotide variant.
Coding change: c.289A>G on transcript NM_000587.4 (MANE Select); coding-DNA position 289, A replaced by G.
Protein change: p.Ile97Val; replaces isoleucine 97 with valine.
Molecular consequence: missense variant.
Genome position (GRCh38, 1-based): chr5:40,936,346, A>G. VCF-style: chr5-40936346-A-G. GRCh37 (hg19) VCF-style: chr5-40936448-A-G.
Other names: short protein forms I97V.
Identifiers: ClinVar variation 2155851 (VCV002155851.2), dbSNP rs549568139, ClinGen allele CA3249597.